The following is an entry in ClinVar:

ClinVar aggregate classification (germline): Uncertain significance (1 of 4 stars; one submission).

Conditions:
Inborn genetic diseases. Identifiers: MedGen C0950123, MeSH D030342.

Submission:

Ambry Genetics
Classification: Uncertain significance for Inborn genetic diseases. Last evaluated: 2025-06-21. Review status: criteria provided, single submitter. Criteria: Ambry Variant Classification Scheme 2023. Collection method: clinical testing. Allele origin: germline.
Comment: The p.S6C variant (also known as c.17C>G), located in coding exon 1 of the SAMD9L gene, results from a C to G substitution at nucleotide position 17. The serine at codon 6 is replaced by cysteine, an amino acid with dissimilar properties. This amino acid position is conserved. In addition, this alteration is predicted to be tolerated by in silico analysis. Based on the available evidence, the clinical significance of this variant remains unclear.

NM_152703.5(SAMD9L):c.17C>G (p.Ser6Cys)

Gene: SAMD9L (sterile alpha motif domain containing 9 like; minus strand). Cytogenetic location: 7q21.2.
Variant type: single nucleotide variant.
Coding change: c.17C>G on transcript NM_152703.5 (MANE Select); coding-DNA position 17, C replaced by G.
Protein change: p.Ser6Cys; replaces serine 6 with cysteine.
Molecular consequence: missense variant.
Genome position (GRCh38, 1-based): chr7:93,135,955, G>C on the plus strand (C>G on the coding strand, the complement: SAMD9L is on the minus strand). VCF-style: chr7-93135955-G-C. GRCh37 (hg19) VCF-style: chr7-92765268-G-C.
Other names: c.17C>G, p.Ser6Cys (NM_001303496.3, NM_001303497.3, NM_001303498.3 and 5 more transcripts); short protein forms S6C.
Identifiers: ClinVar variation 4159254 (VCV004159254.1).
Genomic context (GRCh38, chr7:93,135,955, plus strand): 5'-TCTTCATTTACCCATTTTTTCACATGCTCTTTGGTCCAGTCTTTAATCATTTCAGGTAGA[G>C]ATACTTGTTTACTCATATCAAAGCTTCAACTTCTTCCTGAGACAAAGCAATATAATAAGT-3'
Protein context (NP_689916.2, residues 1-16): MSKQV[Ser6Cys]LPEMIKDWTK